The following is an entry in ClinVar:

ClinVar aggregate classification (germline): Uncertain significance. Review status: criteria provided, multiple submitters, no conflicts (2 of 4 stars). 2 submissions from 2 submitters: Uncertain significance (2). Last evaluated 2024-03-07.

Conditions:
Cardiomyopathy (CMYO). Also called: Cardiomyopathies. Identifiers: Orphanet 167848, MedGen C0878544, MONDO:0004994, HP:0001638. Inheritance: Various modes of inheritance.

Allele frequency attached by ClinVar (database versions not stated): gnomAD exomes 0.00001.

Submissions (2):

Color Diagnostics, LLC DBA Color Health
Classification: Uncertain significance for Cardiomyopathy. Last evaluated: 2024-03-07. Review status: criteria provided, single submitter. Criteria: ACMG Guidelines, 2015. Collection method: clinical testing. Allele origin: germline.
Comment: This missense variant replaces glycine with serine at codon 1304 of the MYH7 protein. Computational prediction suggests that this variant may not impact protein structure and function (internally defined REVEL score threshold <= 0.5, PMID: 27666373). To our knowledge, functional studies have not been reported for this variant. This variant has not been reported in individuals affected with cardiovascular disorders in the literature. This variant has not been identified in the general population by the Genome Aggregation Database (gnomAD). The available evidence is insufficient to determine the role of this variant in disease conclusively. Therefore, this variant is classified as a Variant of Uncertain Significance.

All of Us Research Program, National Institutes of Health
Classification: Uncertain significance for Cardiomyopathy. Last evaluated: 2023-05-08. Review status: criteria provided, single submitter. Criteria: ACMG Guidelines, 2015. Collection method: clinical testing. Allele origin: germline. Inheritance: Autosomal dominant inheritance. Observed: 1 variant allele, 1 heterozygote.
Comment: This study involves interpretation of variants in research participants for the purpose of population health screening. Participant phenotype was not available at the time of variant classification. Additional details can be found in publication PMID: 35346344, PMCID: PMC8962531

NM_000257.4(MYH7):c.3910G>A (p.Gly1304Ser)

Gene: MYH7 (myosin heavy chain 7; minus strand). Cytogenetic location: 14q11.2.
Variant type: single nucleotide variant.
Coding change: c.3910G>A on transcript NM_000257.4 (MANE Select); coding-DNA position 3910, G replaced by A.
Protein change: p.Gly1304Ser; replaces glycine 1304 with serine.
Molecular consequence: missense variant.
Genome position (GRCh38, 1-based): chr14:23,419,239, C>T on the plus strand (G>A on the coding strand, the complement: MYH7 is on the minus strand). VCF-style: chr14-23419239-C-T. GRCh37 (hg19) VCF-style: chr14-23888448-C-T.
Other names: c.3910G>A, p.Gly1304Ser (NM_001407004.1); short protein forms G1304S.
Identifiers: ClinVar variation 2773901 (VCV002773901.3), dbSNP rs2502260355, ClinGen allele CA389041631.